The following is an entry in ClinVar:

ClinVar aggregate classification (germline): Benign (0 of 4 stars; one submission).

Conditions:
MUC16-related disorder. Also called: MUC16-related condition.

Allele frequency attached by ClinVar (database versions not stated): ESP Exome Variant Server 0.14535; gnomAD 0.16355; TOPMed 0.16376; 1000 Genomes Project 30x 0.18691; 1000 Genomes Project 0.19010; ExAC 0.19580.

Submission:

PreventionGenetics, part of Exact Sciences
Classification: Benign for MUC16-related condition. Last evaluated: 2019-10-18. Review status: no assertion criteria provided. Collection method: clinical testing. Allele origin: germline.
Comment: This variant is classified as benign based on ACMG/AMP sequence variant interpretation guidelines (Richards et al. 2015 PMID: 25741868, with internal and published modifications).

NM_001401501.2(MUC16):c.6931A>G (p.Thr2311Ala)

Gene: MUC16 (mucin 16, cell surface associated; minus strand). Cytogenetic location: 19p13.2.
Variant type: single nucleotide variant.
Coding change: c.6931A>G on transcript NM_001401501.2 (MANE Select); coding-DNA position 6931, A replaced by G.
Protein change: p.Thr2311Ala; replaces threonine 2311 with alanine.
Molecular consequence: missense variant.
Genome position (GRCh38, 1-based): chr19:8,974,328, T>C on the plus strand (A>G on the coding strand, the complement: MUC16 is on the minus strand). VCF-style: chr19-8974328-T-C. GRCh37 (hg19) VCF-style: chr19-9085004-T-C.
Other names: c.7357A>G, p.Thr2453Ala (NM_001414686.1); c.6811A>G, p.Thr2271Ala (NM_001414687.1, NM_024690.2); short protein forms T2271A, T2311A, T2453A.
Identifiers: ClinVar variation 3059145 (VCV003059145.2), dbSNP rs11085805, ClinGen allele CA9172329.